The following is an entry in ClinVar:

NM_004260.4(RECQL4):c.3161T>G (p.Phe1054Cys)

Gene: RECQL4 (RecQ like helicase 4; minus strand). Cytogenetic location: 8q24.3.
Variant type: single nucleotide variant.
Coding change: c.3161T>G on transcript NM_004260.4 (MANE Select); coding-DNA position 3161, T replaced by G.
Protein change: p.Phe1054Cys; replaces phenylalanine 1054 with cysteine.
Molecular consequence: missense variant.
Genome position (GRCh38, 1-based): chr8:144,512,219, A>C on the plus strand (T>G on the coding strand, the complement: RECQL4 is on the minus strand). VCF-style: chr8-144512219-A-C. GRCh37 (hg19) VCF-style: chr8-145737602-A-C.
Other names: short protein forms F1054C.
Identifiers: ClinVar variation 577664 (VCV000577664.6), dbSNP rs1564789631, ClinGen allele CA372670148.
Genomic context (GRCh38, chr8:144,512,219, plus strand): 5'-AAGGTTCTGCGCAGACGGGCCAGGGCCTGGCGCTCCCGGGCCTGCACACGGCCATAGAGG[A>C]AGTCACATATCTGGTCCTTCTCCTCAGCGGTCAAGTCCCCCGGGCTGCGAAGGTGGAAGG-3'
Protein context (NP_004251.4, residues 1044-1064): TAEEKDQICD[Phe1054Cys]LYGRVQARER

ClinVar aggregate classification (germline): Uncertain significance (1 of 4 stars; one submission).

Conditions:
Baller-Gerold syndrome (BGS). Also called: CRANIOSYNOSTOSIS WITH RADIAL DEFECTS. Identifiers: Orphanet 1225, MedGen C0265308, MONDO:0009039, OMIM 218600.

Allele frequency attached by ClinVar (database versions not stated): TOPMed 0.00001.

Submission:

Labcorp Genetics (formerly Invitae), Labcorp
Classification: Uncertain significance for Baller-Gerold syndrome. Last evaluated: 2022-11-15. Review status: criteria provided, single submitter. Criteria: Invitae Variant Classification Sherloc (09022015). Collection method: clinical testing. Allele origin: germline.
Comment: In summary, the available evidence is currently insufficient to determine the role of this variant in disease. Therefore, it has been classified as a Variant of Uncertain Significance. Advanced modeling of protein sequence and biophysical properties (such as structural, functional, and spatial information, amino acid conservation, physicochemical variation, residue mobility, and thermodynamic stability) performed at Invitae indicates that this missense variant is expected to disrupt RECQL4 protein function. ClinVar contains an entry for this variant (Variation ID: 577664). This variant has not been reported in the literature in individuals affected with RECQL4-related conditions. This variant is not present in population databases (gnomAD no frequency). This sequence change replaces phenylalanine, which is neutral and non-polar, with cysteine, which is neutral and slightly polar, at codon 1054 of the RECQL4 protein (p.Phe1054Cys).